The following is an entry in ClinVar:

NM_000277.3(PAH):c.1007A>G (p.Gln336Arg)

Gene: PAH (phenylalanine hydroxylase; minus strand). Cytogenetic location: 12q23.2.
Variant type: single nucleotide variant.
Coding change: c.1007A>G on transcript NM_000277.3 (MANE Select); coding-DNA position 1007, A replaced by G.
Protein change: p.Gln336Arg; replaces glutamine 336 with arginine.
Molecular consequence: missense variant.
Genome position (GRCh38, 1-based): chr12:102,844,394, T>C on the plus strand (A>G on the coding strand, the complement: PAH is on the minus strand). VCF-style: chr12-102844394-T-C. GRCh37 (hg19) VCF-style: chr12-103238172-T-C.
Other names: c.1007A>G, p.Gln336Arg (NM_001354304.2); short protein forms Q336R.
Identifiers: ClinVar variation 102466 (VCV000102466.3), dbSNP rs62508735, ClinGen allele CA229266.

ClinVar aggregate classification (germline): Likely pathogenic. Review status: reviewed by expert panel (3 of 4 stars). 2 submissions from 2 submitters: Likely pathogenic (1). 1 of the submissions does not count toward it. Last evaluated 2024-09-06.

Conditions:
Phenylketonuria (PKU). Also called: Phenylketonuria (PKU); FOLLING DISEASE; OLIGOPHRENIA PHENYLPYRUVICA; Phenylketonurias. Identifiers: Orphanet 716, MedGen C0031485, MONDO:0009861, OMIM 261600. Disease mechanism: loss of function.

Submissions (2):

ClinGen PAH Variant Curation Expert Panel
Classification: Likely pathogenic for Phenylketonuria. Last evaluated: 2024-09-06. Review status: reviewed by expert panel. Criteria: ClinGen PAH ACMG Specifications v1. Collection method: curation. Allele origin: germline. Inheritance: Autosomal recessive inheritance.
Comment: It was detected with pathogenic variant p.R243Q, parental analysis not reported (PMID: 16256386). This variant is absent from controls in ExAC, gnomAD, 1000 Genomes, and ESP. A deleterious effect is predicted in SIFT, Polyphen-2, MutationTaster, and REVEL=0.958. In summary, this variant meets criteria to be classified as Likely pathogenic for PAH. PAH-specific ACMG/AMP criteria applied: PM2_supporting, PP3_strong, PP4, PM3_supporting.

DeBelle Laboratory for Biochemical Genetics, MUHC/MCH RESEARCH INSTITUTE
No classification provided. Review status: no classification provided. Collection method: not provided. Allele origin: not provided. Not counted in ClinVar's aggregate classification.